The following is an entry in ClinVar:

NM_005245.4(FAT1):c.1432A>G (p.Ile478Val)

Gene: FAT1 (FAT atypical cadherin 1; minus strand). Cytogenetic location: 4q35.2.
Variant type: single nucleotide variant.
Coding change: c.1432A>G on transcript NM_005245.4 (MANE Select); coding-DNA position 1432, A replaced by G.
Protein change: p.Ile478Val; replaces isoleucine 478 with valine.
Molecular consequence: missense variant.
Genome position (GRCh38, 1-based): chr4:186,708,396, T>C on the plus strand (A>G on the coding strand, the complement: FAT1 is on the minus strand). VCF-style: chr4-186708396-T-C. GRCh37 (hg19) VCF-style: chr4-187629550-T-C.
Other names: short protein forms I478V.
Identifiers: ClinVar variation 3893638 (VCV003893638.2).

ClinVar aggregate classification (germline): Conflicting classifications of pathogenicity. Review status: criteria provided, conflicting classifications (1 of 4 stars). 2 submissions from 2 submitters: Uncertain significance (1); Likely benign (1). Last evaluated 2025-08-06.

Conditions:
Inborn genetic diseases. Identifiers: MedGen C0950123, MeSH D030342.

gnomAD v4.1: 9 of 1,613,848 alleles (0.00056%); highest among the groups gnomAD compares: Middle Eastern, 0.016%; no homozygotes.

Submissions (2):

Ambry Genetics
Classification: Likely benign for Inborn genetic diseases. Last evaluated: 2025-08-06. Review status: criteria provided, single submitter. Criteria: Ambry Variant Classification Scheme 2023. Collection method: clinical testing. Allele origin: germline.

GeneDx
Classification: Uncertain significance. Last evaluated: 2024-10-28. Review status: criteria provided, single submitter. Criteria: GeneDx Variant Classification Process June 2021. Collection method: clinical testing. Allele origin: germline. Affected: yes.
Comment: Not observed at significant frequency in large population cohorts (gnomAD); In silico analysis indicates that this missense variant does not alter protein structure/function; Has not been previously published as pathogenic or benign to our knowledge